The following is an entry in ClinVar:

ClinVar aggregate classification (germline): Uncertain significance (1 of 4 stars; one submission).

Conditions:
Mucopolysaccharidosis, MPS-IV-A (MPS4A). Also called: Mucopolysaccharidosis type IV A; Mucopolysaccharidosis Type IVA; Morquio syndrome A, mild; MORQUIO SYNDROME A; MPS IVA; mucopolysaccharidosis type 4A. Identifiers: Orphanet 309297, Orphanet 582, MedGen C0086651, MONDO:0009659, OMIM 253000.

Submission:

Laboratory of Diagnosis and Therapy of Lysosomal Disorders, University of Padova
Classification: Uncertain significance for Mucopolysaccharidosis, MPS-IV-A. Last evaluated: 2021-02-01. Review status: criteria provided, single submitter. Criteria: ACMG Guidelines, 2015. Collection method: curation. Allele origin: germline. Affected: yes.
Comment: Absent from gnomAD v2.1.1 (PM2_moderate)

Literature cited by the submitters: PubMed 22521955; PubMed 30023300; PubMed 34387910.

NM_000512.5(GALNS):c.1180A>C (p.Thr394Pro)

Gene: GALNS (galactosamine (N-acetyl)-6-sulfatase; minus strand). Cytogenetic location: 16q24.3.
Variant type: single nucleotide variant.
Coding change: c.1180A>C on transcript NM_000512.5 (MANE Select); coding-DNA position 1180, A replaced by C.
Protein change: p.Thr394Pro; replaces threonine 394 with proline.
Molecular consequence: missense variant.
Genome position (GRCh38, 1-based): chr16:88,824,829, T>G on the plus strand (A>C on the coding strand, the complement: GALNS is on the minus strand). VCF-style: chr16-88824829-T-G. GRCh37 (hg19) VCF-style: chr16-88891237-T-G.
Other names: c.625A>C, p.Thr209Pro (NM_001323543.2); c.1198A>C, p.Thr400Pro (NM_001323544.2); short protein forms T209P, T394P, T400P.
Identifiers: ClinVar variation 1048323 (VCV001048323.3), dbSNP rs2142993839, ClinGen allele CA397097639.
Genomic context (GRCh38, chr16:88,824,829, plus strand): 5'-GTCTGAAGTTCTCCCAGGAGTTGGTCCAGGTCCAGAAGTGAGCCTTGTGCTGCCCGAGGG[T>G]GGCCGCCATCAGCGTGTCGCCACGGTAATAGAAGATAGGCCTGTGGGATGGGAGGGGAGG-3'
Protein context (NP_000503.1, residues 384-404): YYRGDTLMAA[Thr394Pro]LGQHKAHFWT